The following is an entry in ClinVar:

ClinVar aggregate classification (germline): Uncertain significance (1 of 4 stars; one submission).

Submission:

Ambry Genetics
Classification: Uncertain significance. Last evaluated: 2025-04-01. Review status: criteria provided, single submitter. Criteria: Ambry Variant Classification Scheme 2023. Collection method: clinical testing. Allele origin: germline.
Comment: The p.P1515R variant (also known as c.4544C>G), located in coding exon 19 of the WNK2 gene, results from a C to G substitution at nucleotide position 4544. The proline at codon 1515 is replaced by arginine, an amino acid with dissimilar properties. This amino acid position is conserved. In addition, this alteration is predicted to be tolerated by in silico analysis. Based on the available evidence, the clinical significance of this variant remains unclear.

NM_006648.4(WNK2):c.4544C>G (p.Pro1515Arg)

Gene: WNK2 (WNK lysine deficient protein kinase 2; plus strand). Cytogenetic location: 9q22.31.
Variant type: single nucleotide variant.
Coding change: c.4544C>G on transcript NM_006648.4 (MANE Select); coding-DNA position 4544, C replaced by G.
Protein change: p.Pro1515Arg; replaces proline 1515 with arginine.
Molecular consequence: missense variant.
Genome position (GRCh38, 1-based): chr9:93,289,298, C>G. VCF-style: chr9-93289298-C-G. GRCh37 (hg19) VCF-style: chr9-96051580-C-G.
Other names: c.4655C>G, p.Pro1552Arg (NM_001282394.3); short protein forms P1552R, P1515R.
Identifiers: ClinVar variation 3981788 (VCV003981788.1).
Genomic context (GRCh38, chr9:93,289,298, plus strand): 5'-AACCTGCTCCCCTGCTTCCTGCCGCAGTGGGGGCCGTCAGCCTGGCCACCTCCCAGCTCC[C>G]AAGCCCACCCCTGGGGCCCACCGTCCCCCCACAGCCACCCTCGGCCCTGGAGTCGGATGG-3'
Protein context (NP_006639.3, residues 1505-1525): GAVSLATSQL[Pro1515Arg]SPPLGPTVPP